The following is an entry in ClinVar:

NM_001083962.2(TCF4):c.1941A>G (p.Ser647=)

Gene: TCF4 (transcription factor 4; minus strand). Cytogenetic location: 18q21.2.
Variant type: single nucleotide variant.
Coding change: c.1941A>G on transcript NM_001083962.2 (MANE Select); coding-DNA position 1941, A replaced by G.
Protein change: p.Ser647=; no amino-acid change (serine 647 retained).
Molecular consequence: synonymous variant.
Genome position (GRCh38, 1-based): chr18:55,228,300, T>C on the plus strand (A>G on the coding strand, the complement: TCF4 is on the minus strand). VCF-style: chr18-55228300-T-C. GRCh37 (hg19) VCF-style: chr18-52895531-T-C.
Other names: p.S647S:TCA>TCG; p.Ser647=; c.2247A>G, p.Ser749= (NM_001243226.3); c.1869A>G, p.Ser623= (NM_001243227.2, NM_001348217.1, NM_001348218.2 and 1 more transcripts); c.1959A>G, p.Ser653= (NM_001243228.2); c.1920A>G, p.Ser640= (NM_001243230.2); c.1803A>G, p.Ser601= (NM_001243231.2); c.1728A>G, p.Ser576= (NM_001243232.1); and 16 more.
Identifiers: ClinVar variation 93544 (VCV000093544.37), dbSNP rs8766, ClinGen allele CA285437.

ClinVar aggregate classification (germline): Benign. Review status: criteria provided, multiple submitters, no conflicts (2 of 4 stars). 15 submissions from 14 submitters: Benign (13). 2 of the submissions do not count toward it. Last evaluated 2026-02-03.

Conditions:
Inborn genetic diseases. Identifiers: MedGen C0950123, MeSH D030342.
Corneal dystrophy, Fuchs endothelial, 3 (FECD3). Also called: FCD2 LOCUS. Identifiers: Orphanet 98974, MedGen C2750451, MONDO:0013203, OMIM 613267.
Pitt-Hopkins syndrome (PTHS). Also called: ENCEPHALOPATHY, SEVERE EPILEPTIC, WITH AUTONOMIC DYSFUNCTION; MENTAL RETARDATION, SYNDROMAL, WITH INTERMITTENT HYPERVENTILATION. Identifiers: Orphanet 2896, MedGen C1970431, MONDO:0012589, OMIM 610954.

Allele frequency attached by ClinVar (database versions not stated): 1000 Genomes Project 0.34245; 1000 Genomes Project 30x 0.34354; ESP Exome Variant Server 0.36468; gnomAD 0.36950 and 0.37317; ExAC 0.37136; TOPMed 0.37502; gnomAD exomes 0.37533 and 0.37776.
gnomAD v4.1: 608,934 of 1,613,772 alleles (38%); highest among the groups gnomAD compares: East Asian, 41%; 115,798 homozygotes.

Submissions (15):

Labcorp Genetics (formerly Invitae), Labcorp
Classification: Benign for Pitt-Hopkins syndrome. Last evaluated: 2026-02-03. Review status: criteria provided, single submitter. Criteria: Invitae Variant Classification Sherloc (09022015). Collection method: clinical testing. Allele origin: germline.

Blueprint Genetics
Classification: Benign. Last evaluated: 2024-11-28. Review status: criteria provided, single submitter. Criteria: ACMG Guidelines, 2015. Collection method: clinical testing. Allele origin: germline.

Genome-Nilou Lab
Classification: Benign for Corneal dystrophy, Fuchs endothelial, 3. Last evaluated: 2021-07-15. Review status: criteria provided, single submitter. Criteria: ACMG Guidelines, 2015. Collection method: clinical testing. Allele origin: germline. Affected: no.

Genome-Nilou Lab
Classification: Benign for Pitt-Hopkins syndrome. Last evaluated: 2021-07-15. Review status: criteria provided, single submitter. Criteria: ACMG Guidelines, 2015. Collection method: clinical testing. Allele origin: germline. Affected: no.

Athena Diagnostics
Classification: Benign. Last evaluated: 2018-05-07. Review status: criteria provided, single submitter. Criteria: Athena Diagnostics Criteria. Collection method: clinical testing. Allele origin: germline.

Mayo Clinic Laboratories, Mayo Clinic
Classification: Benign. Last evaluated: 2018-04-02. Review status: criteria provided, single submitter. Criteria: ACMG Guidelines, 2015. Collection method: clinical testing. Allele origin: germline. Observed: 344 variant alleles.

Illumina Laboratory Services, Illumina
Classification: Benign for Pitt-Hopkins syndrome. Last evaluated: 2018-01-12. Review status: criteria provided, single submitter. Criteria: ICSL Variant Classification Criteria 13 December 2019. Collection method: clinical testing. Allele origin: germline.
Comment: This variant was observed in the ICSL laboratory as part of a predisposition screen in an ostensibly healthy population. It had not been previously curated by ICSL or reported in the Human Gene Mutation Database (HGMD: prior to June 1st, 2018), and was therefore a candidate for classification through an automated scoring system. Utilizing variant allele frequency, disease prevalence and penetrance estimates, and inheritance mode, an automated score was calculated to assess if this variant is too frequent to cause the disease. Based on the score and internal cut-off values, a variant classified as benign is not then subjected to further curation. The score for this variant resulted in a classification of benign for this disease.

Eurofins Ntd Llc (ga)
Classification: Benign. Last evaluated: 2016-06-20. Review status: criteria provided, single submitter. Criteria: EGL Classification Definitions 2015. Collection method: clinical testing. Allele origin: germline. Observed: 25 variant alleles, 16 heterozygotes, 9 homozygotes.

Ambry Genetics
Classification: Benign for Inborn genetic diseases. Last evaluated: 2016-01-08. Review status: criteria provided, single submitter. Criteria: Ambry Variant Classification Scheme 2023. Collection method: clinical testing. Allele origin: germline.

Genetic Services Laboratory, University of Chicago
Classification: Benign. Last evaluated: 2013-02-08. Review status: criteria provided, single submitter. Criteria: ACMG Guidelines, 2007. Collection method: clinical testing. Allele origin: germline. Inheritance: Autosomal dominant inheritance.

GeneDx
Classification: Benign. Last evaluated: 2012-11-13. Review status: criteria provided, single submitter. Criteria: GeneDx Variant Classification (06012015). Collection method: clinical testing. Allele origin: germline. Affected: yes.
Comment: This variant is considered likely benign or benign based on one or more of the following criteria: it is a conservative change, it occurs at a poorly conserved position in the protein, it is predicted to be benign by multiple in silico algorithms, and/or has population frequency not consistent with disease.

Breakthrough Genomics
Classification: Benign. Review status: criteria provided, single submitter. Criteria: ACMG Guidelines, 2015. Collection method: not provided. Allele origin: germline. Inheritance: Autosomal dominant inheritance. Affected: yes.

PreventionGenetics, part of Exact Sciences
Classification: Benign. Review status: criteria provided, single submitter. Criteria: ACMG Guidelines, 2015. Collection method: clinical testing. Allele origin: germline.

Diagnostic Laboratory, Department of Genetics, University Medical Center Groningen
Classification: Benign. Review status: no assertion criteria provided. Collection method: clinical testing. Allele origin: germline. Affected: yes. Study: VKGL Data-share Consensus. Not counted in ClinVar's aggregate classification.

Joint Genome Diagnostic Labs from Nijmegen and Maastricht, Radboudumc and MUMC+
Classification: Benign. Review status: no assertion criteria provided. Collection method: clinical testing. Allele origin: germline. Affected: yes. Study: VKGL Data-share Consensus. Not counted in ClinVar's aggregate classification.